The following is an entry in ClinVar:

NM_000046.5(ARSB):c.157G>A (p.Asp53Asn)

Genes: ARSB (arylsulfatase B; minus strand), LOC129994126 (ATAC-STARR-seq lymphoblastoid silent region 16127; plus strand). Cytogenetic location: 5q14.1.
Variant type: single nucleotide variant.
Coding change: c.157G>A on transcript NM_000046.5 (MANE Select); coding-DNA position 157, G replaced by A.
Protein change: p.Asp53Asn; replaces aspartic acid 53 with asparagine.
Molecular consequence: missense variant.
Genome position (GRCh38, 1-based): chr5:78,985,092, C>T on the plus strand (G>A on the coding strand, the complement: ARSB is on the minus strand). VCF-style: chr5-78985092-C-T. GRCh37 (hg19) VCF-style: chr5-78280915-C-T.
Other names: p.Asp53Asn; c.157G>A, p.Asp53Asn (NM_198709.3); short protein forms D53N.
Identifiers: ClinVar variation 559725 (VCV000559725.4), dbSNP rs1554032217, ClinGen allele CA360196937.

ClinVar aggregate classification (germline): Pathogenic/Likely pathogenic. Review status: criteria provided, multiple submitters, no conflicts (2 of 4 stars). 3 submissions from 3 submitters: Pathogenic (1); Likely pathogenic (2). Last evaluated 2023-06-08.

Conditions:
Mucopolysaccharidosis type 6 (MPS6). Also called: N-ACETYLGALACTOSAMINE-4-SULFATASE DEFICIENCY; MPS VI; MPS 6; Maroteaux Lamy syndrome; ARSB DEFICIENCY; ARYLSULFATASE B DEFICIENCY. Identifiers: Orphanet 583, MedGen C0026709, MONDO:0009661, OMIM 253200.

Submissions (3):

Baylor Genetics
Classification: Likely pathogenic for Mucopolysaccharidosis type 6. Last evaluated: 2023-06-08. Review status: criteria provided, single submitter. Criteria: ACMG Guidelines, 2015. Collection method: clinical testing. Allele origin: unknown.

Foundation for Research in Genetics and Endocrinology, FRIGE's Institute of Human Genetics
Classification: Pathogenic for Mucopolysaccharidosis type 6. Last evaluated: 2022-12-24. Review status: criteria provided, single submitter. Criteria: ACMG Guidelines, 2015. Collection method: clinical testing. Allele origin: germline. Inheritance: Autosomal recessive inheritance. Affected: yes. Observed: 1 compound heterozygote.
Comment: A heterozygous missense variation in exon 1 of ARSB gene that results in amino acid substitution of Aspargine for Aspartic acid at codon 53 was detected. The observed variant c.157G>A (p.Asp53Asn) has not been reported in the 1000 genomes and gnomAD databases. The in-silico predictions for the variant is disease causing by MutationTaster2, SIFT and PROVEAN. In summary, the variant is pathogenic.

Laboratory of Diagnosis and Therapy of Lysosomal Disorders, University of Padova
Classification: Likely pathogenic for Mucopolysaccharidosis type 6. Last evaluated: 2018-01-01. Review status: criteria provided, single submitter. Criteria: ACMG Guidelines, 2015. Collection method: curation. Allele origin: germline. Affected: yes.
Comment: In vitro functional studies supportive of a damaging effect on the gene product (low to no ARSB activity in homozygotes; PS3);Located in a well-established functional domain (PM1); Absent from GnomAD (PM2); Multiple lines of computational evidence support a deleterious effect on the gene product (PP3);

Literature cited by the submitters: PubMed 26609033 (cited by Laboratory of Diagnosis and Therapy of Lysosomal Disorders, University of Padova); PubMed 27826022 (cited by Laboratory of Diagnosis and Therapy of Lysosomal Disorders, University of Padova); PubMed 26937411 (cited by Laboratory of Diagnosis and Therapy of Lysosomal Disorders, University of Padova); PubMed 24677745 (cited by Laboratory of Diagnosis and Therapy of Lysosomal Disorders, University of Padova); PubMed 30118150 (cited by Laboratory of Diagnosis and Therapy of Lysosomal Disorders, University of Padova).